The following is an entry in ClinVar:

NM_020461.4(TUBGCP6):c.3159C>T (p.His1053=)

Gene: TUBGCP6 (tubulin gamma complex component 6; minus strand). Cytogenetic location: 22q13.33.
Variant type: single nucleotide variant.
Coding change: c.3159C>T on transcript NM_020461.4 (MANE Select); coding-DNA position 3159, C replaced by T.
Protein change: p.His1053=; no amino-acid change (histidine 1053 retained).
Molecular consequence: synonymous variant.
Genome position (GRCh38, 1-based): chr22:50,221,200, G>A on the plus strand (C>T on the coding strand, the complement: TUBGCP6 is on the minus strand). VCF-style: chr22-50221200-G-A. GRCh37 (hg19) VCF-style: chr22-50659629-G-A.
Identifiers: ClinVar variation 720463 (VCV000720463.25), dbSNP rs768743183, ClinGen allele CA10308037.

ClinVar aggregate classification (germline): Likely benign. Review status: criteria provided, multiple submitters, no conflicts (2 of 4 stars). 4 submissions from 4 submitters: Likely benign (4). Last evaluated 2026-02-01.

Allele frequency attached by ClinVar (database versions not stated): gnomAD exomes 0.00016 and 0.00011; ExAC 0.00017; gnomAD 0.00019 and 0.00022.
gnomAD v4.1: 200 of 1,608,450 alleles (0.012%); highest among the groups gnomAD compares: Middle Eastern, 0.18%; no homozygotes.

Submissions (4):

CeGaT Center for Human Genetics Tuebingen
Classification: Likely benign. Last evaluated: 2026-02-01. Review status: criteria provided, single submitter. Criteria: CeGaT Center For Human Genetics Tuebingen Variant Classification Criteria Version 2. Collection method: clinical testing. Allele origin: germline. Affected: yes. Observed: 2 variant alleles.
Comment: TUBGCP6: BP4, BP7

Labcorp Genetics (formerly Invitae), Labcorp
Classification: Likely benign. Last evaluated: 2025-12-23. Review status: criteria provided, single submitter. Criteria: Invitae Variant Classification Sherloc (09022015). Collection method: clinical testing. Allele origin: germline.

Blueprint Genetics
Classification: Likely benign. Last evaluated: 2024-11-01. Review status: criteria provided, single submitter. Criteria: ACMG Guidelines, 2015. Collection method: clinical testing. Allele origin: germline.

Breakthrough Genomics
Classification: Likely benign. Review status: criteria provided, single submitter. Criteria: ACMG Guidelines, 2015. Collection method: not provided. Allele origin: germline. Inheritance: Autosomal recessive inheritance. Affected: yes.